The following is an entry in ClinVar:

ClinVar aggregate classification (germline): Benign/Likely benign. Review status: criteria provided, multiple submitters, no conflicts (2 of 4 stars). 4 submissions from 4 submitters: Benign (1); Likely benign (2). 1 of the submissions does not count toward it. Last evaluated 2026-07-09.

Conditions:
Hereditary cancer-predisposing syndrome. Also called: Hereditary Cancer Syndrome; Hereditary neoplastic syndrome; Neoplastic Syndromes, Hereditary; Tumor predisposition. Identifiers: Orphanet 140162, MedGen C0027672, MeSH D009386, MONDO:0015356.
SMARCA4-related disorder. Also called: SMARCA4-related condition.
Rhabdoid tumor predisposition syndrome 2 (RTPS2). Identifiers: Orphanet 231108, Orphanet 69077, MedGen C2750074, MONDO:0013224, OMIM 613325.

Allele frequency attached by ClinVar (database versions not stated): ExAC 0.00001; gnomAD 0.00001; gnomAD exomes 0.00001.
gnomAD v4.1: 9 of 1,613,364 alleles (0.00056%); highest among the groups gnomAD compares: South Asian, 0.0099%; no homozygotes.

Submissions (4):

Myriad Genetics, Inc.
Classification: Benign for Rhabdoid tumor predisposition syndrome 2. Last evaluated: 2026-07-09. Review status: criteria provided, single submitter. Criteria: Myriad Autosomal Dominant, Autosomal Recessive and X-Linked Classification Criteria (2023). Collection method: clinical testing. Allele origin: unknown.
Comment: This variant is considered benign. This variant is a silent/synonymous amino acid change and it is not expected to impact splicing.

Labcorp Genetics (formerly Invitae), Labcorp
Classification: Likely benign for Rhabdoid tumor predisposition syndrome 2. Last evaluated: 2024-12-29. Review status: criteria provided, single submitter. Criteria: Invitae Variant Classification Sherloc (09022015). Collection method: clinical testing. Allele origin: germline.

Ambry Genetics
Classification: Likely benign for Hereditary cancer-predisposing syndrome. Last evaluated: 2022-12-03. Review status: criteria provided, single submitter. Criteria: Ambry Variant Classification Scheme 2023. Collection method: clinical testing. Allele origin: germline.

PreventionGenetics, part of Exact Sciences
Classification: Likely benign for SMARCA4-related condition. Last evaluated: 2024-05-30. Review status: no assertion criteria provided. Collection method: clinical testing. Allele origin: germline. Not counted in ClinVar's aggregate classification.
Comment: This variant is classified as likely benign based on ACMG/AMP sequence variant interpretation guidelines (Richards et al. 2015 PMID: 25741868, with internal and published modifications).

NM_003072.5(SMARCA4):c.495G>A (p.Gln165=)

Gene: SMARCA4 (SWI/SNF related BAF chromatin remodeling complex subunit ATPase 4; plus strand). Cytogenetic location: 19p13.2.
Variant type: single nucleotide variant.
Coding change: c.495G>A on transcript NM_003072.5 (MANE Select); coding-DNA position 495, G replaced by A.
Protein change: p.Gln165=; no amino-acid change (glutamine 165 retained).
Molecular consequence: synonymous variant. On other transcripts: non-coding transcript variant (1).
Genome position (GRCh38, 1-based): chr19:10,986,328, G>A. VCF-style: chr19-10986328-G-A. GRCh37 (hg19) VCF-style: chr19-11097004-G-A.
Other names: c.495G>A, p.Gln165= (NM_001128844.3, NM_001128845.2, NM_001128846.2 and 5 more transcripts); c.495G>A (NM_001128849.1).
Identifiers: ClinVar variation 1088866 (VCV001088866.12), dbSNP rs768856451, ClinGen allele CA9203516.